The following is an entry in ClinVar:

NM_015122.3(FCHO1):c.1922G>A (p.Arg641His)

Gene: FCHO1 (FCH and mu domain containing endocytic adaptor 1; plus strand). Cytogenetic location: 19p13.11.
Variant type: single nucleotide variant.
Coding change: c.1922G>A on transcript NM_015122.3 (MANE Select); coding-DNA position 1922, G replaced by A.
Protein change: p.Arg641His; replaces arginine 641 with histidine.
Molecular consequence: missense variant. On other transcripts: non-coding transcript variant (36).
Genome position (GRCh38, 1-based): chr19:17,781,805, G>A. VCF-style: chr19-17781805-G-A. GRCh37 (hg19) VCF-style: chr19-17892614-G-A.
Other names: c.1922G>A, p.Arg641His (NM_001161357.2, NM_001161358.2, NM_001384370.1 and 13 more transcripts); c.1772G>A, p.Arg591His (NM_001161359.2, NM_001384384.1, NM_001384385.1 and 1 more transcripts); c.1883G>A, p.Arg628His (NM_001384388.1, NM_001384389.1, NM_001384405.1); c.1847G>A, p.Arg616His (NM_001384390.1); c.1805G>A, p.Arg602His (NM_001384392.1, NM_001384393.1, NM_001384394.1 and 1 more transcripts); c.1646G>A, p.Arg549His (NM_001384396.1, NM_001384397.1, NM_001384398.1 and 5 more transcripts); c.1601G>A, p.Arg534His (NM_001384403.1); c.1496G>A, p.Arg499His (NM_001384406.1); and 2 more; short protein forms R499H, R591H, R616H, R628H, R549H, R602H, R641H, R451H.
Identifiers: ClinVar variation 1419423 (VCV001419423.6), dbSNP rs143189987, ClinGen allele CA9300683.
Genomic context (GRCh38, chr19:17,781,805, plus strand): 5'-GCTCCCAGGATGCCCTGCCCATAGCCACAGCCTTCACAGAGTATGTCCACGCCTACTTCC[G>A]TGGCCACAGCCCCAGGTACCCAGTGATGGGCAGACAGGGCCCGTGGGAAGTCTGTGTTGG-3'
Protein context (NP_055937.1, residues 631-651): AFTEYVHAYF[Arg641His]GHSPSCLARV

ClinVar aggregate classification (germline): Uncertain significance. Review status: criteria provided, multiple submitters, no conflicts (2 of 4 stars). 2 submissions from 2 submitters: Uncertain significance (2). Last evaluated 2025-01-09.

Allele frequency attached by ClinVar (database versions not stated): gnomAD exomes 0.00001 and 0.00006; ExAC 0.00008; gnomAD 0.00014 and 0.00016; ESP Exome Variant Server 0.00038.
gnomAD v4.1: 35 of 1,601,068 alleles (0.0022%); highest among the groups gnomAD compares: African/African-American, 0.036%; no homozygotes.

Submissions (2):

Ambry Genetics
Classification: Uncertain significance. Last evaluated: 2025-01-09. Review status: criteria provided, single submitter. Criteria: Ambry Variant Classification Scheme 2023. Collection method: clinical testing. Allele origin: germline.

Labcorp Genetics (formerly Invitae), Labcorp
Classification: Uncertain significance. Last evaluated: 2022-04-28. Review status: criteria provided, single submitter. Criteria: Invitae Variant Classification Sherloc (09022015). Collection method: clinical testing. Allele origin: germline.
Comment: This sequence change replaces arginine, which is basic and polar, with histidine, which is basic and polar, at codon 641 of the FCHO1 protein (p.Arg641His). This variant is present in population databases (rs143189987, gnomAD 0.07%). This variant has not been reported in the literature in individuals affected with FCHO1-related conditions. Algorithms developed to predict the effect of missense changes on protein structure and function output the following: SIFT: "Deleterious"; PolyPhen-2: "Benign"; Align-GVGD: "Class C0". The histidine amino acid residue is found in multiple mammalian species, which suggests that this missense change does not adversely affect protein function. In summary, the available evidence is currently insufficient to determine the role of this variant in disease. Therefore, it has been classified as a Variant of Uncertain Significance.